The following is an entry in ClinVar:

ClinVar aggregate classification (germline): Benign (1 of 4 stars; one submission).

Conditions:
Diamond-Blackfan anemia 6 (DBA6). Also called: RPL5-Related Diamond-Blackfan Anemia. Identifiers: Orphanet 124, MedGen C2931850, MONDO:0012937, OMIM 612561.

Allele frequency attached by ClinVar (database versions not stated): ESP Exome Variant Server 0.00165; 1000 Genomes Project 0.00200; gnomAD 0.00212 and 0.00232; 1000 Genomes Project 30x 0.00219; TOPMed 0.00253.
gnomAD v4.1: 643 of 1,613,004 alleles (0.04%); highest among the groups gnomAD compares: African/African-American, 0.77%; 6 homozygotes.

Submission:

Illumina Laboratory Services, Illumina
Classification: Benign for Diamond-Blackfan anemia 6. Last evaluated: 2018-01-13. Review status: criteria provided, single submitter. Criteria: ICSL Variant Classification Criteria 13 December 2019. Collection method: clinical testing. Allele origin: germline.
Comment: This variant was observed in the ICSL laboratory as part of a predisposition screen in an ostensibly healthy population. It had not been previously curated by ICSL or reported in the Human Gene Mutation Database (HGMD: prior to June 1st, 2018), and was therefore a candidate for classification through an automated scoring system. Utilizing variant allele frequency, disease prevalence and penetrance estimates, and inheritance mode, an automated score was calculated to assess if this variant is too frequent to cause the disease. Based on the score and internal cut-off values, a variant classified as benign is not then subjected to further curation. The score for this variant resulted in a classification of benign for this disease.

NM_000969.5(RPL5):c.-52C>G

Gene: RPL5 (ribosomal protein L5; plus strand). Cytogenetic location: 1p22.1.
Variant type: single nucleotide variant.
Coding change: c.-52C>G on transcript NM_000969.5 (MANE Select); 52 bases upstream of the start codon, C replaced by G.
Molecular consequence: 5 prime UTR variant. On other transcripts: non-coding transcript variant (1).
Genome position (GRCh38, 1-based): chr1:92,832,063, C>G. VCF-style: chr1-92832063-C-G. GRCh37 (hg19) VCF-style: chr1-93297620-C-G.
Other names: c.-52C>G (LRG_1155t1).
Identifiers: ClinVar variation 298200 (VCV000298200.5), dbSNP rs143326916, ClinGen allele CA10611600.
Genomic context (GRCh38, chr1:92,832,063, plus strand): 5'-TCCGCGCTACATACTGCGCCTGCGCAAGGGCTGTGGCCCTTTTCCCACCCCCTAGCGCCG[C>G]TGGGCCTGCAGGTCTCTGTCGAGCAGCGGACGCCGGTCTCTGTTCCGCAGGATGGTGAGT-3'